The following is an entry in ClinVar:

ClinVar aggregate classification (germline): Uncertain significance (1 of 4 stars; one submission).

Conditions:
Acrocallosal syndrome (ACLS). Also called: Schinzel syndrome 1; Absence of corpus callosum with unusual facial appearance, mental deficiency, duplication of the halluces and polydactyly; HALLUX DUPLICATION, POSTAXIAL POLYDACTYLY, AND ABSENCE OF CORPUS CALLOSUM. Identifiers: Orphanet 36, MedGen C0796147, MONDO:0008708, OMIM 200990.

Allele frequency attached by ClinVar (database versions not stated): gnomAD exomes 0.00001; ExAC 0.00005.

Submission:

Labcorp Genetics (formerly Invitae), Labcorp
Classification: Uncertain significance for Acrocallosal syndrome. Last evaluated: 2024-01-24. Review status: criteria provided, single submitter. Criteria: Invitae Variant Classification Sherloc (09022015). Collection method: clinical testing. Allele origin: germline.
Comment: This sequence change replaces lysine, which is basic and polar, with arginine, which is basic and polar, at codon 129 of the KIF7 protein (p.Lys129Arg). This variant is present in population databases (rs778381085, gnomAD 0.004%). This variant has not been reported in the literature in individuals affected with KIF7-related conditions. ClinVar contains an entry for this variant (Variation ID: 2161380). Advanced modeling of protein sequence and biophysical properties (such as structural, functional, and spatial information, amino acid conservation, physicochemical variation, residue mobility, and thermodynamic stability) performed at Invitae indicates that this missense variant is not expected to disrupt KIF7 protein function with a negative predictive value of 80%. In summary, the available evidence is currently insufficient to determine the role of this variant in disease. Therefore, it has been classified as a Variant of Uncertain Significance.

NM_198525.3(KIF7):c.386A>G (p.Lys129Arg)

Gene: KIF7 (kinesin family member 7; minus strand). Cytogenetic location: 15q26.1.
Variant type: single nucleotide variant.
Coding change: c.386A>G on transcript NM_198525.3 (MANE Select); coding-DNA position 386, A replaced by G.
Protein change: p.Lys129Arg; replaces lysine 129 with arginine.
Molecular consequence: missense variant.
Genome position (GRCh38, 1-based): chr15:89,649,884, T>C on the plus strand (A>G on the coding strand, the complement: KIF7 is on the minus strand). VCF-style: chr15-89649884-T-C. GRCh37 (hg19) VCF-style: chr15-90193115-T-C.
Other names: short protein forms K129R.
Identifiers: ClinVar variation 2161380 (VCV002161380.2), dbSNP rs778381085, ClinGen allele CA7728641.